The following is an entry in ClinVar:

NM_000124.4(ERCC6):c.1102G>T (p.Glu368Ter)

Gene: ERCC6 (ERCC excision repair 6, chromatin remodeling factor; minus strand). Cytogenetic location: 10q11.23.
Variant type: single nucleotide variant.
Coding change: c.1102G>T on transcript NM_000124.4 (MANE Select); coding-DNA position 1102, G replaced by T.
Protein change: p.Glu368Ter; replaces glutamic acid 368 with a stop codon.
Molecular consequence: nonsense.
Genome position (GRCh38, 1-based): chr10:49,524,328, C>A on the plus strand (G>T on the coding strand, the complement: ERCC6 is on the minus strand). VCF-style: chr10-49524328-C-A. GRCh37 (hg19) VCF-style: chr10-50732374-C-A.
Other names: c.1102G>T, p.Glu368Ter (NM_001277058.2, NM_001277059.2, NM_001346440.2); short protein forms E368*.
Identifiers: ClinVar variation 5013226 (VCV005013226.1).
Genomic context (GRCh38, chr10:49,524,328, plus strand): 5'-CCTCGTCATCTTCCTCCTCTTCCTCCTCCTCTGTGGGGAAATACTCAGACTCTTCACCCT[C>A]AGAGTCTCCCTCTGCCTCTGGCCTCATGTCTGACTCCCAAGGTCTCCTTGCCTTTGGCAA-3'

ClinVar aggregate classification (germline): Pathogenic (1 of 4 stars; one submission).

Conditions:
Cockayne spectrum with or without cerebrooculofacioskeletal syndrome. Identifiers: MedGen CN315928, MONDO:0100506.

Submission:

Myriad Genetics, Inc.
Classification: Pathogenic for Cockayne spectrum with or without cerebrooculofacioskeletal syndrome. Last evaluated: 2024-06-23. Review status: criteria provided, single submitter. Criteria: Myriad Autosomal Dominant, Autosomal Recessive and X-Linked Classification Criteria (2023). Collection method: clinical testing. Allele origin: unknown.
Comment: NM_000124.2(ERCC6):c.1102G>T(E368*) is expected to be pathogenic in the context of ERCC6-related disorders. This variant is predicted to lead to an abnormal or absent protein product due to the creation of a premature termination codon in ERCC6, a gene where loss-of-function variants are known to be pathogenic. Please note: this variant was assessed in the context of healthy population screening.